The following is an entry in ClinVar:

NM_000144.5(FXN):c.493C>T (p.Arg165Cys)

Gene: FXN (frataxin; plus strand). Cytogenetic location: 9q21.11.
Variant type: single nucleotide variant.
Coding change: c.493C>T on transcript NM_000144.5 (MANE Select); coding-DNA position 493, C replaced by T.
Protein change: p.Arg165Cys; replaces arginine 165 with cysteine.
Molecular consequence: missense variant. On other transcripts: synonymous variant (1).
Genome position (GRCh38, 1-based): chr9:69,072,622, C>T. VCF-style: chr9-69072622-C-T. GRCh37 (hg19) VCF-style: chr9-71687538-C-T.
Other names: c.501C>T, p.Ser167= (NM_181425.3); short protein forms R165C.
Identifiers: ClinVar variation 1048603 (VCV001048603.5), dbSNP rs138034837, ClinGen allele CA193982463.

ClinVar aggregate classification (germline): Conflicting classifications of pathogenicity. Review status: criteria provided, conflicting classifications (1 of 4 stars). 3 submissions from 3 submitters: Likely pathogenic (2); Uncertain significance (1). Last evaluated 2024-12-04.

Conditions:
FXN-related disorder. Also called: FXN-related condition.
Charcot-Marie-Tooth-like disease.

gnomAD v4.1: 1 of 1,614,078 alleles (0.000062%); highest among the groups gnomAD compares: Non-Finnish European, 0.000085%; no homozygotes.

Submissions (3):

PreventionGenetics, part of Exact Sciences
Classification: Likely pathogenic for FXN-related condition. Last evaluated: 2024-12-04. Review status: criteria provided, single submitter. Criteria: ACMG Guidelines, 2015. Collection method: clinical testing. Allele origin: germline.
Comment: The FXN c.493C>T variant is predicted to result in the amino acid substitution p.Arg165Cys. This variant was reported in the compound heterozygous state with a GAA expansion in two individuals with Friedreich ataxia (Forrest et al. 1998. PubMed ID: 10732799; McCormack et al. 2000. PubMed ID: 10766903) and in the homozygous state in three siblings presenting with phenotypes typical of Charcot-Marie-Tooth disease (Candayan et al. 2019. PubMed ID: 31673878). Functional analysis determined the p.Arg165Cys amino acid substitution impairs protein function (Bridwell-Rabb et al. 2011. PubMed ID: 21776984; Clark et al. 2017. PubMed ID: 28812047). This variant has not been reported in gnomAD, indicating this variant is rare. This variant is interpreted as likely pathogenic.

Clinical Genetics Laboratory, Skane University Hospital Lund
Classification: Likely pathogenic. Last evaluated: 2022-05-27. Review status: criteria provided, single submitter. Criteria: ACMG Guidelines, 2015. Collection method: clinical testing. Allele origin: germline. Affected: yes.

CMT Laboratory, Bogazici University
Classification: Uncertain significance for Charcot-Marie-Tooth-like disease. Last evaluated: 2020-12-01. Review status: criteria provided, single submitter. Criteria: ACMG Guidelines, 2015. Collection method: clinical testing. Allele origin: germline. Affected: yes. Observed: 1 variant allele.

Literature cited by the submitters: PubMed 31673878 (cited by CMT Laboratory, Bogazici University).